The following is an entry in ClinVar:

NM_173560.4(RFX6):c.2412C>G (p.Ser804Arg)

Gene: RFX6 (regulatory factor X6; plus strand). Cytogenetic location: 6q22.1.
Variant type: single nucleotide variant.
Coding change: c.2412C>G on transcript NM_173560.4 (MANE Select); coding-DNA position 2412, C replaced by G.
Protein change: p.Ser804Arg; replaces serine 804 with arginine.
Molecular consequence: missense variant.
Genome position (GRCh38, 1-based): chr6:116,928,772, C>G. VCF-style: chr6-116928772-C-G. GRCh37 (hg19) VCF-style: chr6-117249935-C-G.
Other names: short protein forms S804R.
Identifiers: ClinVar variation 549516 (VCV000549516.3), dbSNP rs751261241, ClinGen allele CA3973546.

ClinVar aggregate classification (germline): Uncertain significance (1 of 4 stars; one submission).

Conditions:
Monogenic diabetes. Identifiers: Orphanet 183625, MedGen C3888631, MONDO:0015967.

Allele frequency attached by ClinVar (database versions not stated): TOPMed 0.00002; gnomAD 0.00003.
gnomAD v4.1: 4 of 1,611,694 alleles (0.00025%); highest among the groups gnomAD compares: African/African-American, 0.004%; no homozygotes.

Submission:

Personalized Diabetes Medicine Program, University of Maryland School of Medicine
Classification: Uncertain significance for Monogenic diabetes. Last evaluated: 2017-02-17. Review status: criteria provided, single submitter. Criteria: ACMG Guidelines, 2015. Collection method: research. Allele origin: unknown. Observed: 1 variant allele, 1 heterozygote. Study: Personalized Diabetes Medicine Program.
Comment: ACMG Criteria:BP4 (8 predictors), PP3 (2 predictors)